The following is an entry in ClinVar:

NM_001320.7(CSNK2B):c.27del (p.Ser8_Trp9insTer)

Gene: CSNK2B (casein kinase 2 beta; plus strand). Cytogenetic location: 6p21.33.
Variant type: Deletion.
Coding change: c.27del on transcript NM_001320.7 (MANE Select); coding-DNA position 27, one base deleted (G; older notation c.27delG).
Protein change: p.Ser8_Trp9insTer.
Molecular consequence: nonsense.
Genome position (GRCh38, 1-based): chr6:31,666,858, G deleted; the last of 2 consecutive G bases (chr6:31,666,857-31,666,858); deleting either gives the same sequence. VCF-style (leftmost placement, unchanged base first): chr6-31666856-TG-T. GRCh37 (hg19) VCF-style: chr6-31634633-TG-T.
Other names: c.27delG (NM_001320.6); c.27del, p.Ser8_Trp9insTer (NM_001282385.2).
Identifiers: ClinVar variation 452393 (VCV000452393.2), dbSNP rs1554169460, ClinGen allele CA658657581.

ClinVar aggregate classification (germline): Pathogenic (1 of 4 stars; one submission).

Submission:

GeneDx
Classification: Pathogenic. Last evaluated: 2017-11-03. Review status: criteria provided, single submitter. Criteria: GeneDx Variant Classification (06012015). Collection method: clinical testing. Allele origin: germline. Affected: yes.
Comment: The c.27delG variant in the CSNK2B gene has not been reported previously as a pathogenic variant nor as a benign variant, to our knowledge. This variant is predicted to cause loss of normal protein function either through protein truncation or nonsense-mediated mRNA decay. The variant is not observed in large population cohorts (Lek et al., 2016). We interpret c.27delG as a pathogenic variant.